The following is an entry in ClinVar:

NM_020949.3(SLC7A14):c.489C>A (p.Asn163Lys)

Genes: SLC7A14 (solute carrier family 7 member 14; minus strand), SLC7A14-AS1 (SLC7A14 antisense RNA 1; plus strand). Cytogenetic location: 3q26.2.
Variant type: single nucleotide variant.
Coding change: c.489C>A on transcript NM_020949.3 (MANE Select); coding-DNA position 489, C replaced by A.
Protein change: p.Asn163Lys; replaces asparagine 163 with lysine.
Molecular consequence: missense variant.
Genome position (GRCh38, 1-based): chr3:170,501,161, G>T on the plus strand (C>A on the coding strand, the complement: SLC7A14 is on the minus strand). VCF-style: chr3-170501161-G-T. GRCh37 (hg19) VCF-style: chr3-170218950-G-T.
Other names: short protein forms N163K.
Identifiers: ClinVar variation 2088251 (VCV002088251.4), dbSNP rs561521362, ClinGen allele CA2701924.

ClinVar aggregate classification (germline): Uncertain significance (1 of 4 stars; one submission).

Allele frequency attached by ClinVar (database versions not stated): TOPMed below 0.00001; gnomAD 0.00001; gnomAD exomes 0.00003; ExAC 0.00010; 1000 Genomes Project 30x 0.00016; 1000 Genomes Project 0.00020.
gnomAD v4.1: 43 of 1,614,230 alleles (0.0027%); highest among the groups gnomAD compares: South Asian, 0.047%; no homozygotes.

Submission:

Labcorp Genetics (formerly Invitae), Labcorp
Classification: Uncertain significance. Last evaluated: 2023-05-15. Review status: criteria provided, single submitter. Criteria: Invitae Variant Classification Sherloc (09022015). Collection method: clinical testing. Allele origin: germline.
Comment: An algorithm developed to predict the effect of missense changes on protein structure and function (PolyPhen-2) suggests that this variant is likely to be disruptive. ClinVar contains an entry for this variant (Variation ID: 2088251). This variant has not been reported in the literature in individuals affected with SLC7A14-related conditions. This variant is present in population databases (rs561521362, gnomAD 0.06%), and has an allele count higher than expected for a pathogenic variant. This sequence change replaces asparagine, which is neutral and polar, with lysine, which is basic and polar, at codon 163 of the SLC7A14 protein (p.Asn163Lys). In summary, the available evidence is currently insufficient to determine the role of this variant in disease. Therefore, it has been classified as a Variant of Uncertain Significance.